The following is an entry in ClinVar:

ClinVar aggregate classification (germline): Likely benign. Review status: criteria provided, multiple submitters, no conflicts (2 of 4 stars). 2 submissions from 2 submitters: Likely benign (2). Last evaluated 2025-08-01.

Conditions:
Hereditary cancer-predisposing syndrome. Also called: Hereditary neoplastic syndrome; Neoplastic Syndromes, Hereditary; Tumor predisposition; Hereditary Cancer Syndrome. Identifiers: Orphanet 140162, MedGen C0027672, MeSH D009386, MONDO:0015356.

Submissions (2):

CeGaT Center for Human Genetics Tuebingen
Classification: Likely benign. Last evaluated: 2025-08-01. Review status: criteria provided, single submitter. Criteria: CeGaT Center For Human Genetics Tuebingen Variant Classification Criteria Version 2. Collection method: clinical testing. Allele origin: germline. Affected: yes. Observed: 1 variant allele.
Comment: PHOX2B: BP4, BP7

Ambry Genetics
Classification: Likely benign for Hereditary cancer-predisposing syndrome. Last evaluated: 2021-06-10. Review status: criteria provided, single submitter. Criteria: Ambry Variant Classification Scheme 2023. Collection method: clinical testing. Allele origin: germline.

NM_003924.4(PHOX2B):c.831C>T (p.Pro277=)

Gene: PHOX2B (paired like homeobox 2B; minus strand). Cytogenetic location: 4p13.
Variant type: single nucleotide variant.
Coding change: c.831C>T on transcript NM_003924.4 (MANE Select); coding-DNA position 831, C replaced by T.
Protein change: p.Pro277=; no amino-acid change (proline 277 retained).
Molecular consequence: synonymous variant.
Genome position (GRCh38, 1-based): chr4:41,745,921, G>A on the plus strand (C>T on the coding strand, the complement: PHOX2B is on the minus strand). VCF-style: chr4-41745921-G-A. GRCh37 (hg19) VCF-style: chr4-41747938-G-A.
Identifiers: ClinVar variation 1762906 (VCV001762906.10), dbSNP rs773606043, ClinGen allele CA439142915.